The following is an entry in ClinVar:

NM_001457.4(FLNB):c.1570A>C (p.Ser524Arg)

Gene: FLNB (filamin B; plus strand). Cytogenetic location: 3p14.3.
Variant type: single nucleotide variant.
Coding change: c.1570A>C on transcript NM_001457.4 (MANE Select); coding-DNA position 1570, A replaced by C.
Protein change: p.Ser524Arg; replaces serine 524 with arginine.
Molecular consequence: missense variant.
Genome position (GRCh38, 1-based): chr3:58,104,045, A>C. VCF-style: chr3-58104045-A-C. GRCh37 (hg19) VCF-style: chr3-58089772-A-C.
Other names: c.1570A>C, p.Ser524Arg (NM_001164317.2, NM_001164318.2, NM_001164319.2); short protein forms S524R.
Identifiers: ClinVar variation 3612525 (VCV003612525.3).

ClinVar aggregate classification (germline): Uncertain significance. Review status: criteria provided, multiple submitters, no conflicts (2 of 4 stars). 2 submissions from 2 submitters: Uncertain significance (2). Last evaluated 2025-10-06.

gnomAD v4.1: 4 of 1,614,046 alleles (0.00025%); highest among the groups gnomAD compares: South Asian, 0.0044%; no homozygotes.

Submissions (2):

Labcorp Genetics (formerly Invitae), Labcorp
Classification: Uncertain significance. Last evaluated: 2025-10-06. Review status: criteria provided, single submitter. Criteria: Invitae Variant Classification Sherloc (09022015). Collection method: clinical testing. Allele origin: germline.
Comment: This sequence change replaces serine, which is neutral and polar, with arginine, which is basic and polar, at codon 524 of the FLNB protein (p.Ser524Arg). This variant is not present in population databases (gnomAD no frequency). This variant has not been reported in the literature in individuals affected with FLNB-related conditions. ClinVar contains an entry for this variant (Variation ID: 3612525). Invitae Evidence Modeling of protein sequence and biophysical properties (such as structural, functional, and spatial information, amino acid conservation, physicochemical variation, residue mobility, and thermodynamic stability) indicates that this missense variant is not expected to disrupt FLNB protein function with a negative predictive value of 95%. In summary, the available evidence is currently insufficient to determine the role of this variant in disease. Therefore, it has been classified as a Variant of Uncertain Significance.

Blueprint Genetics
Classification: Uncertain significance. Last evaluated: 2021-08-13. Review status: criteria provided, single submitter. Criteria: ACMG Guidelines, 2015. Collection method: clinical testing. Allele origin: germline.